The following is an entry in ClinVar:

NM_198428.3(BBS9):c.677A>C (p.Lys226Thr)

Gene: BBS9 (Bardet-Biedl syndrome 9; plus strand). Cytogenetic location: 7p14.3.
Variant type: single nucleotide variant.
Coding change: c.677A>C on transcript NM_198428.3 (MANE Select); coding-DNA position 677, A replaced by C.
Protein change: p.Lys226Thr; replaces lysine 226 with threonine.
Molecular consequence: missense variant. On other transcripts: non-coding transcript variant (3).
Genome position (GRCh38, 1-based): chr7:33,264,349, A>C. VCF-style: chr7-33264349-A-C. GRCh37 (hg19) VCF-style: chr7-33303961-A-C.
Other names: c.677A>C, p.Lys226Thr (NM_001033604.2, NM_001033605.2, NM_001348036.1 and 5 more transcripts); c.311A>C, p.Lys104Thr (NM_001348037.3, NM_001348044.3, NM_001348045.3 and 1 more transcripts); c.404A>C, p.Lys135Thr (NM_001348038.3, NM_001348039.3); c.542A>C, p.Lys181Thr (NM_001348042.3); short protein forms K104T, K181T, K135T, K226T.
Identifiers: ClinVar variation 967182 (VCV000967182.7), dbSNP rs1562901214, ClinGen allele CA367253605.

ClinVar aggregate classification (germline): Uncertain significance (1 of 4 stars; one submission).

Conditions:
Bardet-Biedl syndrome (BBS). Identifiers: Orphanet 110, MedGen C0752166, MONDO:0015229.

Allele frequency attached by ClinVar (database versions not stated): TOPMed below 0.00001.

Submission:

Labcorp Genetics (formerly Invitae), Labcorp
Classification: Uncertain significance for Bardet-Biedl syndrome. Last evaluated: 2021-08-24. Review status: criteria provided, single submitter. Criteria: Invitae Variant Classification Sherloc (09022015). Collection method: clinical testing. Allele origin: germline.
Comment: This sequence change replaces lysine with threonine at codon 226 of the BBS9 protein (p.Lys226Thr). The lysine residue is highly conserved and there is a moderate physicochemical difference between lysine and threonine. This variant is not present in population databases (ExAC no frequency). This variant has not been reported in the literature in individuals affected with BBS9-related conditions. Algorithms developed to predict the effect of missense changes on protein structure and function are either unavailable or do not agree on the potential impact of this missense change (SIFT: "Deleterious"; PolyPhen-2: "Benign"; Align-GVGD: "Class C65"). In summary, the available evidence is currently insufficient to determine the role of this variant in disease. Therefore, it has been classified as a Variant of Uncertain Significance.